The following is an entry in ClinVar:

ClinVar aggregate classification (germline): Uncertain significance (1 of 4 stars; one submission).

Allele frequency attached by ClinVar (database versions not stated): ExAC 0.00002; gnomAD 0.00002; gnomAD exomes 0.00003; TOPMed 0.00005.
gnomAD v4.1: 55 of 1,589,910 alleles (0.0035%); highest among the groups gnomAD compares: Non-Finnish European, 0.0044%; no homozygotes.

Submission:

Labcorp Genetics (formerly Invitae), Labcorp
Classification: Uncertain significance. Last evaluated: 2022-08-16. Review status: criteria provided, single submitter. Criteria: Invitae Variant Classification Sherloc (09022015). Collection method: clinical testing. Allele origin: germline.
Comment: This sequence change replaces proline, which is neutral and non-polar, with serine, which is neutral and polar, at codon 196 of the CDC14A protein (p.Pro196Ser). This variant is present in population databases (rs755291422, gnomAD 0.01%). This variant has not been reported in the literature in individuals affected with CDC14A-related conditions. ClinVar contains an entry for this variant (Variation ID: 1448360). Algorithms developed to predict the effect of missense changes on protein structure and function (SIFT, PolyPhen-2, Align-GVGD) all suggest that this variant is likely to be tolerated. In summary, the available evidence is currently insufficient to determine the role of this variant in disease. Therefore, it has been classified as a Variant of Uncertain Significance.

NM_003672.4(CDC14A):c.586C>T (p.Pro196Ser)

Gene: CDC14A (cell division cycle 14A; plus strand). Cytogenetic location: 1p21.2.
Variant type: single nucleotide variant.
Coding change: c.586C>T on transcript NM_003672.4 (MANE Select); coding-DNA position 586, C replaced by T.
Protein change: p.Pro196Ser; replaces proline 196 with serine.
Molecular consequence: missense variant. On other transcripts: intron variant (1).
Genome position (GRCh38, 1-based): chr1:100,455,471, C>T. VCF-style: chr1-100455471-C-T. GRCh37 (hg19) VCF-style: chr1-100921027-C-T.
Other names: c.586C>T, p.Pro196Ser (NM_001319210.2, NM_033312.3, NM_033313.3); c.412C>T, p.Pro138Ser (NM_001319211.2); c.-272-7180C>T (NM_001319212.2); short protein forms P138S, P196S.
Identifiers: ClinVar variation 1448360 (VCV001448360.3), dbSNP rs755291422, ClinGen allele CA970631.